The following is an entry in ClinVar:

ClinVar aggregate classification (germline): Uncertain significance (1 of 4 stars; one submission).

Submission:

Labcorp Genetics (formerly Invitae), Labcorp
Classification: Uncertain significance. Last evaluated: 2022-11-24. Review status: criteria provided, single submitter. Criteria: Invitae Variant Classification Sherloc (09022015). Collection method: clinical testing. Allele origin: germline.
Comment: This variant is not present in population databases (gnomAD no frequency). In summary, the available evidence is currently insufficient to determine the role of this variant in disease. Therefore, it has been classified as a Variant of Uncertain Significance. Algorithms developed to predict the effect of missense changes on protein structure and function are either unavailable or do not agree on the potential impact of this missense change (SIFT: "Deleterious"; PolyPhen-2: "Benign"; Align-GVGD: "Class C0"). This variant has not been reported in the literature in individuals affected with DGUOK-related conditions. This sequence change replaces leucine, which is neutral and non-polar, with phenylalanine, which is neutral and non-polar, at codon 130 of the DGUOK protein (p.Leu130Phe).

NM_080916.3(DGUOK):c.388C>T (p.Leu130Phe)

Gene: DGUOK (deoxyguanosine kinase; plus strand). Cytogenetic location: 2p13.1.
Variant type: single nucleotide variant.
Coding change: c.388C>T on transcript NM_080916.3 (MANE Select); coding-DNA position 388, C replaced by T.
Protein change: p.Leu130Phe; replaces leucine 130 with phenylalanine.
Molecular consequence: missense variant. On other transcripts: non-coding transcript variant (5).
Genome position (GRCh38, 1-based): chr2:73,946,851, C>T. VCF-style: chr2-73946851-C-T. GRCh37 (hg19) VCF-style: chr2-74173978-C-T.
Other names: c.388C>T, p.Leu130Phe (NM_001318859.2, NM_080918.3); c.97C>T, p.Leu33Phe (NM_001318860.2, NM_001318861.2, NM_001318862.2 and 1 more transcripts); short protein forms L33F, L130F.
Identifiers: ClinVar variation 2896704 (VCV002896704.3), dbSNP rs2467032670, ClinGen allele CA347299294.